The following is an entry in ClinVar:

ClinVar aggregate classification (germline): Uncertain significance (1 of 4 stars; one submission).

Conditions:
Chédiak-Higashi syndrome (CHS). Also called: Chediak-Higashi Syndrome. Identifiers: Orphanet 167, MedGen C0007965, MONDO:0008963, OMIM 214500.

Submission:

Labcorp Genetics (formerly Invitae), Labcorp
Classification: Uncertain significance for Chédiak-Higashi syndrome. Last evaluated: 2022-06-27. Review status: criteria provided, single submitter. Criteria: Invitae Variant Classification Sherloc (09022015). Collection method: clinical testing. Allele origin: germline.
Comment: Algorithms developed to predict the effect of missense changes on protein structure and function are either unavailable or do not agree on the potential impact of this missense change (SIFT: "Tolerated"; PolyPhen-2: "Probably Damaging"; Align-GVGD: "Class C0"). In summary, the available evidence is currently insufficient to determine the role of this variant in disease. Therefore, it has been classified as a Variant of Uncertain Significance. This variant has not been reported in the literature in individuals affected with LYST-related conditions. This variant is not present in population databases (gnomAD no frequency). This sequence change replaces aspartic acid, which is acidic and polar, with glutamic acid, which is acidic and polar, at codon 3223 of the LYST protein (p.Asp3223Glu).

NM_000081.4(LYST):c.9669C>G (p.Asp3223Glu)

Gene: LYST (lysosomal trafficking regulator; minus strand). Cytogenetic location: 1q42.3.
Variant type: single nucleotide variant.
Coding change: c.9669C>G on transcript NM_000081.4 (MANE Select); coding-DNA position 9669, C replaced by G.
Protein change: p.Asp3223Glu; replaces aspartic acid 3223 with glutamic acid.
Molecular consequence: missense variant.
Genome position (GRCh38, 1-based): chr1:235,715,316, G>C on the plus strand (C>G on the coding strand, the complement: LYST is on the minus strand). VCF-style: chr1-235715316-G-C. GRCh37 (hg19) VCF-style: chr1-235878616-G-C.
Other names: c.9669C>G, p.Asp3223Glu (NM_001301365.1); short protein forms D3223E.
Identifiers: ClinVar variation 1444118 (VCV001444118.5), dbSNP rs2527406697, ClinGen allele CA344939636.
Genomic context (GRCh38, chr1:235,715,316, plus strand): 5'-CACAGTGCCGCTATTGGAATAGTGGGAGCCATAGTGATAGGGCTGCACGGGAGGCATGGG[G>C]TCATCTTCTCTGGCTCCTTTGCGGTACTCTTCCTCCAAGTACTGAAAGAAACGGTGAATC-3'
Protein context (NP_000072.2, residues 3213-3233): EEYRKGARED[Asp3223Glu]PMPPVQPYHY